The following is an entry in ClinVar:

ClinVar aggregate classification (germline): Uncertain significance. Review status: criteria provided, multiple submitters, no conflicts (2 of 4 stars). 4 submissions from 4 submitters: Uncertain significance (4). Last evaluated 2025-06-17.

Conditions:
3-methylglutaconic aciduria, type VIIB (MGCA7B). Also called: 3-methylglutaconic aciduria with cataracts, neurologic involvement and neutropenia; CLPB Deficiency; 3-methylglutaconic aciduria, type VII, with cataracts, neurologic involvement and neutropenia. Identifiers: Orphanet 445038, MedGen C5676893, MONDO:0014561, OMIM 616271.

Allele frequency attached by ClinVar (database versions not stated): ESP Exome Variant Server 0.00031; gnomAD 0.00032; TOPMed 0.00033; 1000 Genomes Project 0.00040; 1000 Genomes Project 30x 0.00047.

Submissions (4):

Labcorp Genetics (formerly Invitae), Labcorp
Classification: Uncertain significance for 3-methylglutaconic aciduria, type VIIB. Last evaluated: 2025-06-17. Review status: criteria provided, single submitter. Criteria: Invitae Variant Classification Sherloc (09022015). Collection method: clinical testing. Allele origin: germline.
Comment: This sequence change replaces methionine, which is neutral and non-polar, with isoleucine, which is neutral and non-polar, at codon 147 of the CLPB protein (p.Met147Ile). This variant is present in population databases (rs146895312, gnomAD 0.1%). This variant has not been reported in the literature in individuals affected with CLPB-related conditions. ClinVar contains an entry for this variant (Variation ID: 570993). An algorithm developed to predict the effect of missense changes on protein structure and function outputs the following: PolyPhen-2: "Benign". The isoleucine amino acid residue is found in multiple mammalian species, which suggests that this missense change does not adversely affect protein function. In summary, the available evidence is currently insufficient to determine the role of this variant in disease. Therefore, it has been classified as a Variant of Uncertain Significance.

GeneDx
Classification: Uncertain significance. Last evaluated: 2025-05-05. Review status: criteria provided, single submitter. Criteria: GeneDx Variant Classification Process June 2021. Collection method: clinical testing. Allele origin: germline. Affected: yes.
Comment: In silico analysis suggests that this missense variant does not alter protein structure/function; Has not been previously published as pathogenic or benign to our knowledge

Blueprint Genetics
Classification: Uncertain significance. Last evaluated: 2022-10-28. Review status: criteria provided, single submitter. Criteria: ACMG Guidelines, 2015. Collection method: clinical testing. Allele origin: germline.

Baylor Genetics
Classification: Uncertain significance for 3-methylglutaconic aciduria, type VIIB. Last evaluated: 2018-10-12. Review status: criteria provided, single submitter. Criteria: ACMG Guidelines, 2015. Collection method: clinical testing. Allele origin: maternal. Affected: yes.
Comment: This variant was determined to be of uncertain significance according to ACMG Guidelines, 2015 [PMID:25741868].

NM_001258392.3(CLPB):c.441G>C (p.Met147Ile)

Gene: CLPB (ClpB family mitochondrial disaggregase; minus strand). Cytogenetic location: 11q13.4.
Variant type: single nucleotide variant.
Coding change: c.441G>C on transcript NM_001258392.3 (MANE Select); coding-DNA position 441, G replaced by C.
Protein change: p.Met147Ile; replaces methionine 147 with isoleucine.
Molecular consequence: missense variant.
Genome position (GRCh38, 1-based): chr11:72,430,326, C>G on the plus strand (G>C on the coding strand, the complement: CLPB is on the minus strand). VCF-style: chr11-72430326-C-G. GRCh37 (hg19) VCF-style: chr11-72141370-C-G.
Other names: c.441G>C, p.Met147Ile (NM_001258393.3, NM_030813.6); c.199G>C, p.Ala67Pro (NM_001258394.3); short protein forms M147I, A67P.
Identifiers: ClinVar variation 570993 (VCV000570993.11), dbSNP rs146895312, ClinGen allele CA6171581.